The following is an entry in ClinVar:

NM_006343.3(MERTK):c.992_993del (p.Ser331fs)

Genes: MERTK (MER proto-oncogene, tyrosine kinase; plus strand), LOC112806037 (Sharpr-MPRA regulatory region 3720; plus strand). Cytogenetic location: 2q13.
Variant type: Deletion.
Coding change: c.992_993del on transcript NM_006343.3 (MANE Select); coding-DNA positions 992 to 993, 2 bases deleted (CA; older notation c.992_993delCA).
Protein change: p.Ser331fs; shifts the reading frame from serine 331.
Molecular consequence: frameshift variant.
Genome position (GRCh38, 1-based): chr2:111,975,320-111,975,321, CA deleted. VCF-style (leftmost placement, unchanged base first): chr2-111975319-TCA-T. GRCh37 (hg19) VCF-style: chr2-112732896-TCA-T.
Other names: c.992_993delCA (NM_006343.2); short protein forms S331fs.
Identifiers: ClinVar variation 801735 (VCV000801735.10), dbSNP rs1573613491, ClinGen allele CA915942790.

ClinVar aggregate classification (germline): Pathogenic. Review status: criteria provided, multiple submitters, no conflicts (2 of 4 stars). 4 submissions from 4 submitters: Pathogenic (4). Last evaluated 2025-06-03.

Conditions:
Retinitis pigmentosa 38 (RP38). Also called: ROD-CONE DYSTROPHY, CHILDHOOD-ONSET. Identifiers: Orphanet 791, MedGen C3151228, MONDO:0013469, OMIM 613862.
MERTK-related disorder. Also called: MERTK-related condition.

Allele frequency attached by ClinVar (database versions not stated): gnomAD exomes below 0.00001.

Submissions (4):

PreventionGenetics, part of Exact Sciences
Classification: Pathogenic for MERTK-related condition. Last evaluated: 2025-06-03. Review status: criteria provided, single submitter. Criteria: ACMG Guidelines, 2015. Collection method: clinical testing. Allele origin: germline.
Comment: The MERTK c.992_993delCA variant is predicted to result in a frameshift and premature protein termination (p.Ser331Cysfs*5). This variant was reported homozygous in 3 siblings with autosomal recessive retinitis pigmentosa (Lukovic et al 2015. PubMed ID: 26263531). The siblings were from a consanguineous family. In vitro functional characterization showed that patient-specific retinal pigment epithelium cells exhibited defective phagocytosis, a characteristic phenotype of MERTK deficiency observed in human patients and animal models. This variant has not been reported in a large population database (gnomAD), indicating this variant is rare. Frameshift variants in MERTK are expected to be pathogenic. This variant is interpreted as pathogenic.

Labcorp Genetics (formerly Invitae), Labcorp
Classification: Pathogenic. Last evaluated: 2024-03-04. Review status: criteria provided, single submitter. Criteria: Invitae Variant Classification Sherloc (09022015). Collection method: clinical testing. Allele origin: germline.
Comment: This sequence change creates a premature translational stop signal (p.Ser331Cysfs*5) in the MERTK gene. It is expected to result in an absent or disrupted protein product. Loss-of-function variants in MERTK are known to be pathogenic (PMID: 24265693, 29659094). This variant is not present in population databases (gnomAD no frequency). This premature translational stop signal has been observed in individual(s) with autosomal recessive retinitis pigmentosa (PMID: 26263531). ClinVar contains an entry for this variant (Variation ID: 801735). For these reasons, this variant has been classified as Pathogenic.

Blueprint Genetics
Classification: Pathogenic for MERTK-related disorders. Last evaluated: 2021-12-08. Review status: criteria provided, single submitter. Criteria: ACMG Guidelines, 2015. Collection method: clinical testing. Allele origin: germline. Affected: yes. Observed: 2 variant alleles.

Mendelics
Classification: Pathogenic for Retinitis pigmentosa 38. Last evaluated: 2019-05-28. Review status: criteria provided, single submitter. Criteria: Mendelics Assertion Criteria 2017. Collection method: clinical testing. Allele origin: unknown.

Literature cited by the submitters: PubMed 24265693 (cited by Labcorp Genetics (formerly Invitae), Labcorp); PubMed 29659094 (cited by Labcorp Genetics (formerly Invitae), Labcorp); PubMed 26263531 (cited by Labcorp Genetics (formerly Invitae), Labcorp).